The following is an entry in ClinVar:

ClinVar aggregate classification (germline): Benign/Likely benign. Review status: criteria provided, multiple submitters, no conflicts (2 of 4 stars). 16 submissions from 15 submitters: Benign (2); Likely benign (7). 7 of the submissions do not count toward it. Last evaluated 2026-01-06.

Conditions:
TSC1-related disorder. Also called: TSC1-related condition.
Hereditary cancer-predisposing syndrome. Also called: Tumor predisposition; Neoplastic Syndromes, Hereditary; Hereditary neoplastic syndrome; Hereditary Cancer Syndrome. Identifiers: Orphanet 140162, MedGen C0027672, MeSH D009386, MONDO:0015356.
Tuberous sclerosis syndrome (TSC). Also called: Tuberous Sclerosis Complex; Tuberous sclerosis. Identifiers: Orphanet 805, MedGen C0041341, MONDO:0001734.
Isolated focal cortical dysplasia type II (FCORD2). Also called: CORTICAL DYSPLASIA OF TAYLOR; Focal cortical dysplasia type II. Identifiers: Orphanet 268994, MedGen C1846385, MONDO:0011818, OMIM 607341, HP:0032051.
Tuberous sclerosis 1 (TSC1). Identifiers: Orphanet 805, MedGen C1854465, MONDO:0008612, OMIM 191100.

Allele frequency attached by ClinVar (database versions not stated): ExAC 0.00002; gnomAD exomes 0.00002 and 0.00003; TOPMed 0.00003; gnomAD 0.00006.
gnomAD v4.1: 57 of 1,613,766 alleles (0.0035%); highest among the groups gnomAD compares: Middle Eastern, 0.066%; no homozygotes.

Submissions (16):

Labcorp Genetics (formerly Invitae), Labcorp
Classification: Benign for Tuberous sclerosis 1. Last evaluated: 2026-01-06. Review status: criteria provided, single submitter. Criteria: Invitae Variant Classification Sherloc (09022015). Collection method: clinical testing. Allele origin: germline.

Blueprint Genetics
Classification: Likely benign. Last evaluated: 2024-08-02. Review status: criteria provided, single submitter. Criteria: ACMG Guidelines, 2015. Collection method: clinical testing. Allele origin: germline.

Color Diagnostics, LLC DBA Color Health
Classification: Likely benign for Tuberous sclerosis syndrome. Last evaluated: 2022-08-16. Review status: criteria provided, single submitter. Criteria: ACMG Guidelines, 2015. Collection method: clinical testing. Allele origin: germline.

Genome-Nilou Lab
Classification: Benign for Tuberous sclerosis 1. Last evaluated: 2021-11-07. Review status: criteria provided, single submitter. Criteria: ACMG Guidelines, 2015. Collection method: clinical testing. Allele origin: germline. Affected: no.

Sema4
Classification: Likely benign for Hereditary cancer-predisposing syndrome. Last evaluated: 2021-08-10. Review status: criteria provided, single submitter. Criteria: Sema4 Curation Guidelines. Collection method: curation. Allele origin: germline.

GeneDx
Classification: Likely benign. Last evaluated: 2020-11-12. Review status: criteria provided, single submitter. Criteria: GeneDx Variant Classification Process June 2021. Collection method: clinical testing. Allele origin: germline. Affected: yes.
Comment: This variant is associated with the following publications: (PMID: 29625052, 19747374, 21309039)

Ambry Genetics
Classification: Likely benign for Hereditary cancer-predisposing syndrome. Last evaluated: 2018-03-14. Review status: criteria provided, single submitter. Criteria: Ambry Variant Classification Scheme 2023. Collection method: clinical testing. Allele origin: germline.

Illumina Laboratory Services, Illumina
Classification: Likely benign for Tuberous sclerosis 1. Last evaluated: 2017-04-27. Review status: criteria provided, single submitter. Criteria: ICSL Variant Classification Criteria 13 December 2019. Collection method: clinical testing. Allele origin: germline.
Comment: This variant was observed as part of a predisposition screen in an ostensibly healthy population. A literature search was performed for the gene, cDNA change, and amino acid change (where applicable). Publications were found based on this search. The evidence from the literature, in combination with allele frequency data from public databases where available, was sufficient to determine this variant is unlikely to cause disease. Therefore, this variant is classified as likely benign.

Illumina Laboratory Services, Illumina
Classification: Likely benign for Isolated focal cortical dysplasia type II. Last evaluated: 2017-04-27. Review status: criteria provided, single submitter. Criteria: ICSL Variant Classification Criteria 13 December 2019. Collection method: clinical testing. Allele origin: germline.
Comment: This variant was observed as part of a predisposition screen in an ostensibly healthy population. A literature search was performed for the gene, cDNA change, and amino acid change (where applicable). No publications were found based on this search. Allele frequency data from public databases allowed determination this variant is unlikely to cause disease. Therefore, this variant is classified as likely benign.

PreventionGenetics, part of Exact Sciences
Classification: Likely benign for TSC1-related condition. Last evaluated: 2024-03-18. Review status: no assertion criteria provided. Collection method: clinical testing. Allele origin: germline. Not counted in ClinVar's aggregate classification.
Comment: This variant is classified as likely benign based on ACMG/AMP sequence variant interpretation guidelines (Richards et al. 2015 PMID: 25741868, with internal and published modifications).

Biesecker Lab/Clinical Genomics Section, National Institutes of Health
Classification: Uncertain significance. Last evaluated: 2012-07-13. Review status: no assertion criteria provided. Collection method: research. Allele origin: germline. Affected: no. Observed: 1 variant allele. Study: ClinSeq. Not counted in ClinVar's aggregate classification.
ClinVar note: Converted during submission from variant of unknown significance to Uncertain significance.

Clinical Genetics DNA and cytogenetics Diagnostics Lab, Erasmus MC, Erasmus Medical Center
Classification: Likely benign. Review status: no assertion criteria provided. Collection method: clinical testing. Allele origin: germline. Affected: yes. Study: VKGL Data-share Consensus. Not counted in ClinVar's aggregate classification.

Diagnostic Laboratory, Department of Genetics, University Medical Center Groningen
Classification: Benign. Review status: no assertion criteria provided. Collection method: clinical testing. Allele origin: germline. Affected: yes. Study: VKGL Data-share Consensus. Not counted in ClinVar's aggregate classification.

Genome Diagnostics Laboratory, Amsterdam University Medical Center
Classification: Likely benign. Review status: no assertion criteria provided. Collection method: clinical testing. Allele origin: germline. Affected: yes. Study: VKGL Data-share Consensus. Not counted in ClinVar's aggregate classification.

Genome Diagnostics Laboratory, University Medical Center Utrecht
Classification: Likely benign. Review status: no assertion criteria provided. Collection method: clinical testing. Allele origin: germline. Affected: yes. Study: VKGL Data-share Consensus. Not counted in ClinVar's aggregate classification.

Tuberous sclerosis database (TSC1)
No classification provided. Condition: TSC. Review status: no classification provided. Criteria: Tuberous Sclerosis Database Assertion Criteria 2015. Collection method: curation. Allele origin: germline. Affected: yes. Not counted in ClinVar's aggregate classification.

Literature cited by the submitters: PubMed 21309039 (cited by 3 submitters); PubMed 19747374 (cited by 3 submitters).

NM_000368.5(TSC1):c.1648C>G (p.Gln550Glu)

Gene: TSC1 (TSC complex subunit 1; minus strand). Cytogenetic location: 9q34.13.
Variant type: single nucleotide variant.
Coding change: c.1648C>G on transcript NM_000368.5 (MANE Select); coding-DNA position 1648, C replaced by G.
Protein change: p.Gln550Glu; replaces glutamine 550 with glutamic acid.
Molecular consequence: missense variant.
Genome position (GRCh38, 1-based): chr9:132,905,930, G>C on the plus strand (C>G on the coding strand, the complement: TSC1 is on the minus strand). VCF-style: chr9-132905930-G-C. GRCh37 (hg19) VCF-style: chr9-135781317-G-C.
Other names: c.1645C>G, p.Gln549Glu (NM_001162426.2); c.1495C>G, p.Gln499Glu (NM_001162427.2); c.1285C>G, p.Gln429Glu (NM_001362177.2); short protein forms Q550E, Q499E, Q549E, Q429E.
Identifiers: ClinVar variation 41691 (VCV000041691.32), dbSNP rs118203553, ClinGen allele CA005126.